The following is an entry in ClinVar:

ClinVar aggregate classification (germline): Uncertain significance (1 of 4 stars; one submission).

Conditions:
Retinoblastoma (RB1). Also called: RETINOBLASTOMA, SOMATIC. Identifiers: Orphanet 790, MedGen C0035335, MeSH D012175, MONDO:0008380, OMIM 180200, HP:0009919. Disease mechanism: loss of function. Inheritance: Both sporadic and heritable forms are tested..

Allele frequency attached by ClinVar (database versions not stated): gnomAD exomes below 0.00001; ExAC 0.00001.
gnomAD v4.1: 2 of 1,613,422 alleles (0.00012%); highest among the groups gnomAD compares: Non-Finnish European, 0.00017%; no homozygotes.

Submission:

Labcorp Genetics (formerly Invitae), Labcorp
Classification: Uncertain significance for Retinoblastoma. Last evaluated: 2022-07-19. Review status: criteria provided, single submitter. Criteria: Invitae Variant Classification Sherloc (09022015). Collection method: clinical testing. Allele origin: germline.
Comment: This sequence change falls in intron 22 of the RB1 gene. It does not directly change the encoded amino acid sequence of the RB1 protein. It affects a nucleotide within the consensus splice site. This variant is present in population databases (rs775640888, gnomAD 0.0009%). This variant has not been reported in the literature in individuals affected with RB1-related conditions. ClinVar contains an entry for this variant (Variation ID: 650299). Variants that disrupt the consensus splice site are a relatively common cause of aberrant splicing (PMID: 17576681, 9536098). Algorithms developed to predict the effect of sequence changes on RNA splicing suggest that this variant is not likely to affect RNA splicing. In summary, the available evidence is currently insufficient to determine the role of this variant in disease. Therefore, it has been classified as a Variant of Uncertain Significance.

Literature cited by the submitters: PubMed 17576681; PubMed 9536098.

NM_000321.3(RB1):c.2325+4G>A

Gene: RB1 (RB transcriptional corepressor 1; plus strand). Cytogenetic location: 13q14.2.
Variant type: single nucleotide variant.
Coding change: c.2325+4G>A on transcript NM_000321.3 (MANE Select); 4 bases into the intron after coding-DNA position 2325, G replaced by A.
Molecular consequence: intron variant.
Genome position (GRCh38, 1-based): chr13:48,465,115, G>A. VCF-style: chr13-48465115-G-A. GRCh37 (hg19) VCF-style: chr13-49039251-G-A.
Identifiers: ClinVar variation 650299 (VCV000650299.10), dbSNP rs775640888, ClinGen allele CA035283.